The following is an entry in ClinVar:

NC_000001.10:g.(?_108679275)_(109493059_?)del

Genes: SLC25A24 (solute carrier family 25 member 24; minus strand), STXBP3 (syntaxin binding protein 3; plus strand), AKNAD1 (AKNA domain containing 1; minus strand), CLCC1 (chloride channel CLIC like 1; minus strand), EEIG2 (EEIG family member 2; plus strand) and 6 more. Cytogenetic location: 1p13.3.
Variant type: Deletion.
Identifiers: ClinVar variation 2423587 (VCV002423587.5).

ClinVar aggregate classification (germline): Uncertain significance (1 of 4 stars; one submission).

Submission:

Labcorp Genetics (formerly Invitae), Labcorp
Classification: Uncertain significance. Last evaluated: 2023-07-12. Review status: criteria provided, single submitter. Criteria: Invitae Variant Classification Sherloc (09022015). Collection method: clinical testing. Allele origin: germline.
Comment: In summary, the available evidence is currently insufficient to determine the role of this variant in disease. Therefore, it has been classified as a Variant of Uncertain Significance. This variant has not been reported in the literature in individuals affected with CLCC1-related conditions. A gross deletion of the genomic region encompassing the full coding sequence of the CLCC1 gene has been identified. The current clinical and genetic evidence is not sufficient to establish whether loss-of-function variants in CLCC1 cause disease. The boundaries of this event are unknown as they extend beyond the assayed region for this gene and therefore may encompass additional genes.